The following is an entry in ClinVar:

NM_001128148.3(TFRC):c.2010C>G (p.Val670=)

Gene: TFRC (transferrin receptor; minus strand). Cytogenetic location: 3q29.
Variant type: single nucleotide variant.
Coding change: c.2010C>G on transcript NM_001128148.3 (MANE Select); coding-DNA position 2010, C replaced by G.
Protein change: p.Val670=; no amino-acid change (valine 670 retained).
Molecular consequence: synonymous variant.
Genome position (GRCh38, 1-based): chr3:196,053,448, G>C on the plus strand (C>G on the coding strand, the complement: TFRC is on the minus strand). VCF-style: chr3-196053448-G-C. GRCh37 (hg19) VCF-style: chr3-195780319-G-C.
Other names: c.1767C>G, p.Val589= (NM_001313965.2); c.1164C>G, p.Val388= (NM_001313966.2); c.2010C>G, p.Val670= (NM_003234.4).
Identifiers: ClinVar variation 1579774 (VCV001579774.9), dbSNP rs150520746, ClinGen allele CA2777744.
Genomic context (GRCh38, chr3:196,053,448, plus strand): 5'-TAGTTCCTCCTTTCCCAAAAGTTCACTTACTCTCATGACACGATCATTGAGTTTCTTCAT[G>C]ACAAATCTGTCTGTTTTCTCAGCATTCCCGAAATCTGTTGTTAGTCTGGAAGTAGCACGG-3'
Protein context (NP_001121620.1, residues 660-680): FGNAEKTDRF[Val670=]MKKLNDRVMR

ClinVar aggregate classification (germline): Likely benign. Review status: criteria provided, multiple submitters, no conflicts (2 of 4 stars). 2 submissions from 2 submitters: Likely benign (2). Last evaluated 2026-09-01.

Submissions (2):

CeGaT Center for Human Genetics Tuebingen
Classification: Likely benign. Last evaluated: 2026-09-01. Review status: criteria provided, single submitter. Criteria: CeGaT Center For Human Genetics Tuebingen Variant Classification Criteria Version 2. Collection method: clinical testing. Allele origin: germline. Affected: yes. Observed: 1 variant allele.
Comment: TFRC: BP4, BP7

Labcorp Genetics (formerly Invitae), Labcorp
Classification: Likely benign. Last evaluated: 2025-11-14. Review status: criteria provided, single submitter. Criteria: Invitae Variant Classification Sherloc (09022015). Collection method: clinical testing. Allele origin: germline.